The following is an entry in ClinVar:

NM_001430.5(EPAS1):c.499G>C (p.Asp167His)

Genes: EPAS1 (endothelial PAS domain protein 1; plus strand), LOC126806210 (BRD4-independent group 4 enhancer GRCh37_chr2:46587586-46588785; plus strand). Cytogenetic location: 2p21.
Variant type: single nucleotide variant.
Coding change: c.499G>C on transcript NM_001430.5 (MANE Select); coding-DNA position 499, G replaced by C.
Protein change: p.Asp167His; replaces aspartic acid 167 with histidine.
Molecular consequence: missense variant.
Genome position (GRCh38, 1-based): chr2:46,360,682, G>C. VCF-style: chr2-46360682-G-C. GRCh37 (hg19) VCF-style: chr2-46587821-G-C.
Other names: short protein forms D167H.
Identifiers: ClinVar variation 3508957 (VCV003508957.1).

ClinVar aggregate classification (germline): Uncertain significance (1 of 4 stars; one submission).

Conditions:
Inborn genetic diseases. Identifiers: MedGen C0950123, MeSH D030342.

Submission:

Ambry Genetics
Classification: Uncertain significance for Inborn genetic diseases. Last evaluated: 2024-07-28. Review status: criteria provided, single submitter. Criteria: Ambry Variant Classification Scheme 2023. Collection method: clinical testing. Allele origin: germline.
Comment: The p.D167H variant (also known as c.499G>C), located in coding exon 5 of the EPAS1 gene, results from a G to C substitution at nucleotide position 499. The aspartic acid at codon 167 is replaced by histidine, an amino acid with similar properties. This amino acid position is conserved. In addition, the in silico prediction for this alteration is inconclusive. Based on the available evidence, the clinical significance of this variant remains unclear.